The following is an entry in ClinVar:

ClinVar aggregate classification (germline): Uncertain significance (1 of 4 stars; one submission).

Conditions:
Cardiovascular phenotype. Identifiers: MedGen CN230736.

gnomAD v4.1: 4 of 1,422,130 alleles (0.00028%); highest among the groups gnomAD compares: Non-Finnish European, 0.00037%; no homozygotes.

Submission:

Ambry Genetics
Classification: Uncertain significance for Cardiovascular phenotype. Last evaluated: 2025-07-03. Review status: criteria provided, single submitter. Criteria: Ambry Variant Classification Scheme 2023. Collection method: clinical testing. Allele origin: germline.
Comment: The p.G83S variant (also known as c.247G>A), located in coding exon 1 of the HCN4 gene, results from a G to A substitution at nucleotide position 247. The glycine at codon 83 is replaced by serine, an amino acid with similar properties. This amino acid position is conserved. In addition, this alteration is predicted to be tolerated by in silico analysis. Based on the available evidence, the clinical significance of this variant remains unclear.

NM_005477.3(HCN4):c.247G>A (p.Gly83Ser)

Gene: HCN4 (hyperpolarization activated cyclic nucleotide gated potassium channel 4; minus strand). Cytogenetic location: 15q24.1.
Variant type: single nucleotide variant.
Coding change: c.247G>A on transcript NM_005477.3 (MANE Select); coding-DNA position 247, G replaced by A.
Protein change: p.Gly83Ser; replaces glycine 83 with serine.
Molecular consequence: missense variant.
Genome position (GRCh38, 1-based): chr15:73,368,024, C>T on the plus strand (G>A on the coding strand, the complement: HCN4 is on the minus strand). VCF-style: chr15-73368024-C-T. GRCh37 (hg19) VCF-style: chr15-73660365-C-T.
Other names: short protein forms G83S.
Identifiers: ClinVar variation 4269223 (VCV004269223.1).